The following is an entry in ClinVar:

ClinVar aggregate classification (germline): Uncertain significance (1 of 4 stars; one submission).

Submission:

Labcorp Genetics (formerly Invitae), Labcorp
Classification: Uncertain significance. Last evaluated: 2021-07-02. Review status: criteria provided, single submitter. Criteria: Invitae Variant Classification Sherloc (09022015). Collection method: clinical testing. Allele origin: germline.
Comment: This sequence change replaces alanine with threonine at codon 453 of the MYLK3 protein (p.Ala453Thr). The alanine residue is weakly conserved and there is a small physicochemical difference between alanine and threonine. This variant is not present in population databases (ExAC no frequency). This variant has not been reported in the literature in individuals affected with MYLK3-related conditions. Algorithms developed to predict the effect of missense changes on protein structure and function output the following: SIFT: "Tolerated"; PolyPhen-2: "Benign"; Align-GVGD: "Class C0". The threonine amino acid residue is found in multiple mammalian species, which suggests that this missense change does not adversely affect protein function. In summary, the available evidence is currently insufficient to determine the role of this variant in disease. Therefore, it has been classified as a Variant of Uncertain Significance.

NM_182493.3(MYLK3):c.1357G>A (p.Ala453Thr)

Gene: MYLK3 (myosin light chain kinase 3; minus strand). Cytogenetic location: 16q11.2.
Variant type: single nucleotide variant.
Coding change: c.1357G>A on transcript NM_182493.3 (MANE Select); coding-DNA position 1357, G replaced by A.
Protein change: p.Ala453Thr; replaces alanine 453 with threonine.
Molecular consequence: missense variant.
Genome position (GRCh38, 1-based): chr16:46,732,313, C>T on the plus strand (G>A on the coding strand, the complement: MYLK3 is on the minus strand). VCF-style: chr16-46732313-C-T. GRCh37 (hg19) VCF-style: chr16-46766225-C-T.
Other names: c.334G>A, p.Ala112Thr (NM_001308301.1); short protein forms A453T, A112T.
Identifiers: ClinVar variation 1482827 (VCV001482827.8), dbSNP rs2143015081, ClinGen allele CA395792077.
Genomic context (GRCh38, chr16:46,732,313, plus strand): 5'-CTGCTTCAGCTCTCACCGGAGCCCTGGCTGCACAGTCCTGCTCAGGCTCAGGGTTTCCCG[C>T]CCCTGGGCTTTTGCCCTGCTGCAGGCCCAGGGCCCCAACCTCGTGGTCATTGTCGTCACT-3'
Protein context (NP_872299.2, residues 443-463): LGLQQGKSPG[Ala453Thr]GNPEPEQDCA